The following is an entry in ClinVar:

ClinVar aggregate classification (germline): Likely pathogenic (1 of 4 stars; one submission).

Conditions:
Maple syrup urine disease (MSUD). Identifiers: Orphanet 511, MedGen C0024776, MeSH D008375, MONDO:0009563. Disease mechanism: loss of function.

Allele frequency attached by ClinVar (database versions not stated): gnomAD 0.00001.
gnomAD v4.1: 10 of 1,614,106 alleles (0.00062%); highest among the groups gnomAD compares: Non-Finnish European, 0.00076%; no homozygotes.

Submission:

Labcorp Genetics (formerly Invitae), Labcorp
Classification: Likely pathogenic for Maple syrup urine disease. Last evaluated: 2023-09-12. Review status: criteria provided, single submitter. Criteria: Invitae Variant Classification Sherloc (09022015). Collection method: clinical testing. Allele origin: germline.
Comment: In summary, the currently available evidence indicates that the variant is pathogenic, but additional data are needed to prove that conclusively. Therefore, this variant has been classified as Likely Pathogenic. This variant disrupts the p.Arg189 amino acid residue in BCKDHA. Other variant(s) that disrupt this residue have been determined to be pathogenic (PMID: 32005694, 32193832). This suggests that this residue is clinically significant, and that variants that disrupt this residue are likely to be disease-causing. Advanced modeling of protein sequence and biophysical properties (such as structural, functional, and spatial information, amino acid conservation, physicochemical variation, residue mobility, and thermodynamic stability) performed at Invitae indicates that this missense variant is expected to disrupt BCKDHA protein function. ClinVar contains an entry for this variant (Variation ID: 1921803). This variant has not been reported in the literature in individuals affected with BCKDHA-related conditions. This variant is present in population databases (no rsID available, gnomAD 0.002%). This sequence change replaces arginine, which is basic and polar, with histidine, which is basic and polar, at codon 189 of the BCKDHA protein (p.Arg189His).

Literature cited by the submitters: PubMed 32005694; PubMed 32193832.

NM_000709.4(BCKDHA):c.566G>A (p.Arg189His)

Gene: BCKDHA (branched chain keto acid dehydrogenase E1 subunit alpha; plus strand). Cytogenetic location: 19q13.2.
Variant type: single nucleotide variant.
Coding change: c.566G>A on transcript NM_000709.4 (MANE Select); coding-DNA position 566, G replaced by A.
Protein change: p.Arg189His; replaces arginine 189 with histidine.
Molecular consequence: missense variant.
Genome position (GRCh38, 1-based): chr19:41,419,216, G>A. VCF-style: chr19-41419216-G-A. GRCh37 (hg19) VCF-style: chr19-41925121-G-A.
Other names: c.566G>A, p.Arg189His (NM_001164783.2); short protein forms R189H.
Identifiers: ClinVar variation 1921803 (VCV001921803.5), dbSNP rs1200370519, ClinGen allele CA406010931.
Genomic context (GRCh38, chr19:41,419,216, plus strand): 5'-ACCCCCTGGAACTATTCATGGCCCAGTGCTATGGCAACATCAGTGACTTGGGCAAGGGGC[G>A]CCAGATGCCTGTCCACTACGGCTGCAAGGAACGCCACTTCGTCACTATCTCCTCTCCACT-3'
Protein context (NP_000700.1, residues 179-199): YGNISDLGKG[Arg189His]QMPVHYGCKE